The following is an entry in ClinVar:

NM_031885.5(BBS2):c.2060-5T>C

Gene: BBS2 (Bardet-Biedl syndrome 2; minus strand). Cytogenetic location: 16q13.
Variant type: single nucleotide variant.
Coding change: c.2060-5T>C on transcript NM_031885.5 (MANE Select); 5 bases into the intron before coding-DNA position 2060, T replaced by C.
Molecular consequence: intron variant.
Genome position (GRCh38, 1-based): chr16:56,484,872, A>G on the plus strand (T>C on the coding strand, the complement: BBS2 is on the minus strand). VCF-style: chr16-56484872-A-G. GRCh37 (hg19) VCF-style: chr16-56518784-A-G.
Other names: c.2060-5T>C (NM_031885.3, NM_001377456.1).
Identifiers: ClinVar variation 1126541 (VCV001126541.10), dbSNP rs374531370, ClinGen allele CA8065528.

ClinVar aggregate classification (germline): Likely benign. Review status: criteria provided, single submitter (1 of 4 stars). 2 submissions from 2 submitters: Likely benign (1). 1 of the submissions does not count toward it. Last evaluated 2024-01-11.

Conditions:
BBS2-related disorder. Also called: BBS2-related disorders; BBS2-related condition. Identifiers: MedGen CN239228.
Bardet-Biedl syndrome (BBS). Identifiers: Orphanet 110, MedGen C0752166, MONDO:0015229.

Allele frequency attached by ClinVar (database versions not stated): gnomAD exomes below 0.00001 and 0.00002; gnomAD 0.00001; TOPMed 0.00001; ExAC 0.00003; ESP Exome Variant Server 0.00008.

Submissions (2):

Labcorp Genetics (formerly Invitae), Labcorp
Classification: Likely benign for Bardet-Biedl syndrome. Last evaluated: 2024-01-11. Review status: criteria provided, single submitter. Criteria: Invitae Variant Classification Sherloc (09022015). Collection method: clinical testing. Allele origin: germline.

PreventionGenetics, part of Exact Sciences
Classification: Likely benign for BBS2-related condition. Last evaluated: 2024-05-22. Review status: no assertion criteria provided. Collection method: clinical testing. Allele origin: germline. Not counted in ClinVar's aggregate classification.
Comment: This variant is classified as likely benign based on ACMG/AMP sequence variant interpretation guidelines (Richards et al. 2015 PMID: 25741868, with internal and published modifications).